The following is an entry in ClinVar:

ClinVar aggregate classification (germline): Uncertain significance (1 of 4 stars; one submission).

Conditions:
Bethlem myopathy 1A. Also called: MYOPATHY, BENIGN CONGENITAL, WITH CONTRACTURES; Bethlem myopathy 1; Bethlem Muscular Dystrophy. Identifiers: Orphanet 610, MedGen CN029274, MONDO:0024530, OMIM 158810.

Allele frequency attached by ClinVar (database versions not stated): gnomAD exomes below 0.00001 and 0.00001; ExAC 0.00001.
gnomAD v4.1: 2 of 1,613,698 alleles (0.00012%); highest among the groups gnomAD compares: South Asian, 0.0022%; no homozygotes.

Submission:

Labcorp Genetics (formerly Invitae), Labcorp
Classification: Uncertain significance for Bethlem myopathy 1A. Last evaluated: 2022-11-14. Review status: criteria provided, single submitter. Criteria: Invitae Variant Classification Sherloc (09022015). Collection method: clinical testing. Allele origin: germline.
Comment: This variant has not been reported in the literature in individuals affected with COL6A3-related conditions. This variant is present in population databases (rs761812649, gnomAD 0.006%). This sequence change replaces proline, which is neutral and non-polar, with leucine, which is neutral and non-polar, at codon 2182 of the COL6A3 protein (p.Pro2182Leu). ClinVar contains an entry for this variant (Variation ID: 853105). In summary, the available evidence is currently insufficient to determine the role of this variant in disease. Therefore, it has been classified as a Variant of Uncertain Significance. Algorithms developed to predict the effect of missense changes on protein structure and function (SIFT, PolyPhen-2, Align-GVGD) all suggest that this variant is likely to be tolerated.

NM_004369.4(COL6A3):c.6545C>T (p.Pro2182Leu)

Gene: COL6A3 (collagen type VI alpha 3 chain; minus strand). Cytogenetic location: 2q37.3.
Variant type: single nucleotide variant.
Coding change: c.6545C>T on transcript NM_004369.4 (MANE Select); coding-DNA position 6545, C replaced by T.
Protein change: p.Pro2182Leu; replaces proline 2182 with leucine.
Molecular consequence: missense variant.
Genome position (GRCh38, 1-based): chr2:237,357,384, G>A on the plus strand (C>T on the coding strand, the complement: COL6A3 is on the minus strand). VCF-style: chr2-237357384-G-A. GRCh37 (hg19) VCF-style: chr2-238266027-G-A.
Other names: c.4724C>T, p.Pro1575Leu (NM_057166.5); c.5927C>T, p.Pro1976Leu (NM_057167.4); short protein forms P2182L, P1976L, P1575L.
Identifiers: ClinVar variation 853105 (VCV000853105.10), dbSNP rs761812649, ClinGen allele CA2188224.